The following is an entry in ClinVar:

ClinVar aggregate classification (germline): Likely pathogenic (1 of 4 stars; one submission).

Conditions:
Neurooculocardiogenitourinary syndrome. Identifiers: Orphanet 684305, MedGen C5231443, MONDO:0032850, OMIM 618652.

Submission:

Diagnostics Services (NGS), CSIR - Centre For Cellular And Molecular Biology
Classification: Likely pathogenic for Neurooculocardiogenitourinary syndrome. Last evaluated: 2026-03-25. Review status: criteria provided, single submitter. Criteria: ACMG Guidelines, 2015. Collection method: clinical testing. Allele origin: germline. Affected: yes. Observed: 1 variant allele, 1 heterozygote.
Comment: The c.198_201del variant is not present in publicly available population databases like 1000 Genomes, EVS, Indian Exome Database or our internal database. The variant is present in gnomAD at a low frequency. This variant has neither been published in the literature for WDR37-related conditions nor reported to clinical databases like Human Genome Mutation database (HGMD), OMIM, or ClinVar in any affected individuals. In-silico pathogenicity prediction programs like MutationTaster2021, CADD, Varsome, etc. predicted this variant to be likely deleterious. This variant causes frameshift at the 67th amino acid position of the wild-type transcript which creates a premature translational stop signal at the altered transcript that may either result in translation of a truncated protein or cause nonsense mediated decay of the mRNA.

NM_014023.4(WDR37):c.198_201del (p.Arg67fs)

Gene: WDR37 (WD repeat domain 37; plus strand). Cytogenetic location: 10p15.3.
Variant type: Deletion.
Coding change: c.198_201del on transcript NM_014023.4 (MANE Select); coding-DNA positions 198 to 201, 4 bases deleted (AAGA; older notation c.198_201delAAGA).
Protein change: p.Arg67fs; shifts the reading frame from arginine 67.
Molecular consequence: frameshift variant.
Genome position (GRCh38, 1-based): chr10:1,077,966-1,077,969, AAGA deleted; deleting any 4 consecutive bases within chr10:1,077,963-1,077,969 gives the same sequence; the c. name uses the placement nearest the transcript's 3' end. VCF-style (leftmost placement, unchanged base first): chr10-1077962-TAGAA-T. GRCh37 (hg19) VCF-style: chr10-1123902-TAGAA-T.
Other names: short protein forms R67fs.
Identifiers: ClinVar variation 4849723 (VCV004849723.1).